The following is an entry in ClinVar:

ClinVar aggregate classification (germline): Uncertain significance. Review status: criteria provided, multiple submitters, no conflicts (2 of 4 stars). 2 submissions from 2 submitters: Uncertain significance (2). Last evaluated 2025-08-30.

gnomAD v4.1: 1 of 1,610,482 alleles (0.000062%); highest among the groups gnomAD compares: Non-Finnish European, 0.000085%; no homozygotes.

Submissions (2):

Ambry Genetics
Classification: Uncertain significance. Last evaluated: 2025-08-30. Review status: criteria provided, single submitter. Criteria: Ambry Variant Classification Scheme 2023. Collection method: clinical testing. Allele origin: germline.

Labcorp Genetics (formerly Invitae), Labcorp
Classification: Uncertain significance. Last evaluated: 2025-03-30. Review status: criteria provided, single submitter. Criteria: Invitae Variant Classification Sherloc (09022015). Collection method: clinical testing. Allele origin: germline.
Comment: This sequence change replaces arginine, which is basic and polar, with leucine, which is neutral and non-polar, at codon 545 of the VAV1 protein (p.Arg545Leu). This variant is not present in population databases (gnomAD no frequency). This variant has not been reported in the literature in individuals affected with VAV1-related conditions. An algorithm developed to predict the effect of missense changes on protein structure and function (PolyPhen-2) suggests that this variant is likely to be disruptive. In summary, the available evidence is currently insufficient to determine the role of this variant in disease. Therefore, it has been classified as a Variant of Uncertain Significance.

NM_005428.4(VAV1):c.1634G>T (p.Arg545Leu)

Gene: VAV1 (vav guanine nucleotide exchange factor 1; plus strand). Cytogenetic location: 19p13.3.
Variant type: single nucleotide variant.
Coding change: c.1634G>T on transcript NM_005428.4 (MANE Select); coding-DNA position 1634, G replaced by T.
Protein change: p.Arg545Leu; replaces arginine 545 with leucine.
Molecular consequence: missense variant.
Genome position (GRCh38, 1-based): chr19:6,833,551, G>T. VCF-style: chr19-6833551-G-T. GRCh37 (hg19) VCF-style: chr19-6833562-G-T.
Other names: c.1634G>T, p.Arg545Leu (NM_001258206.2); c.1538G>T, p.Arg513Leu (NM_001258207.2); short protein forms R513L, R545L.
Identifiers: ClinVar variation 4198418 (VCV004198418.2).